The following is an entry in ClinVar:

NM_000257.4(MYH7):c.4787C>T (p.Ser1596Leu)

Genes: MHRT (myosin heavy chain associated RNA transcript; plus strand), MYH7 (myosin heavy chain 7; minus strand), LOC126861897 (BRD4-independent group 4 enhancer GRCh37_chr14:23884455-23885654; plus strand). Cytogenetic location: 14q11.2.
Variant type: single nucleotide variant.
Coding change: c.4787C>T on transcript NM_000257.4 (MANE Select); coding-DNA position 4787, C replaced by T.
Protein change: p.Ser1596Leu; replaces serine 1596 with leucine.
Molecular consequence: missense variant. On other transcripts: non-coding transcript variant (1).
Genome position (GRCh38, 1-based): chr14:23,416,170, G>A on the plus strand (C>T on the coding strand, the complement: MYH7 is on the minus strand). VCF-style: chr14-23416170-G-A. GRCh37 (hg19) VCF-style: chr14-23885379-G-A.
Other names: short protein forms S1596L.
Identifiers: ClinVar variation 922222 (VCV000922222.15), dbSNP rs774540446, ClinGen allele CA043848.

ClinVar aggregate classification (germline): Conflicting classifications of pathogenicity. Review status: criteria provided, conflicting classifications (1 of 4 stars). 7 submissions from 7 submitters: Uncertain significance (6); Likely benign (1). Last evaluated 2025-08-18.

Conditions:
Cardiovascular phenotype. Identifiers: MedGen CN230736.
Cardiomyopathy (CMYO). Also called: Cardiomyopathies. Identifiers: Orphanet 167848, MedGen C0878544, MONDO:0004994, HP:0001638. Inheritance: Various modes of inheritance.
Hypertrophic cardiomyopathy. Also called: HYPERTROPHIC MYOCARDIOPATHY. Identifiers: Orphanet 217569, MedGen C0007194, MeSH D002312, MONDO:0005045, HP:0001639.
Hypertrophic cardiomyopathy 1 (CMH1). Also called: MYH7-Related Familial Hypertrophic Cardiomyopathy; Familial hypertrophic cardiomyopathy 1. Identifiers: MedGen C3495498, MONDO:0008647, OMIM 192600.

Allele frequency attached by ClinVar (database versions not stated): gnomAD 0.00001 and 0.00003; ExAC 0.00004; TOPMed 0.00001; gnomAD exomes 0.00002 and 0.00005.
gnomAD v4.1: 40 of 1,614,004 alleles (0.0025%); highest among the groups gnomAD compares: South Asian, 0.037%; no homozygotes.

Submissions (7):

Labcorp Genetics (formerly Invitae), Labcorp
Classification: Uncertain significance for Hypertrophic cardiomyopathy. Last evaluated: 2025-08-18. Review status: criteria provided, single submitter. Criteria: Invitae Variant Classification Sherloc (09022015). Collection method: clinical testing. Allele origin: germline.
Comment: This sequence change replaces serine, which is neutral and polar, with leucine, which is neutral and non-polar, at codon 1596 of the MYH7 protein (p.Ser1596Leu). This variant is present in population databases (rs774540446, gnomAD 0.04%). This missense change has been observed in individual(s) with hypertrophic cardiomyopathy (PMID: 27532257, 34542152). ClinVar contains an entry for this variant (Variation ID: 922222). Invitae Evidence Modeling of protein sequence and biophysical properties (such as structural, functional, and spatial information, amino acid conservation, physicochemical variation, residue mobility, and thermodynamic stability) indicates that this missense variant is expected to disrupt MYH7 protein function with a positive predictive value of 95%. In summary, the available evidence is currently insufficient to determine the role of this variant in disease. Therefore, it has been classified as a Variant of Uncertain Significance.

Women's Health and Genetics/Laboratory Corporation of America, LabCorp
Classification: Uncertain significance. Last evaluated: 2025-04-29. Review status: criteria provided, single submitter. Criteria: LabCorp Variant Classification Summary - May 2015. Collection method: clinical testing. Allele origin: germline.
Comment: Variant summary: MYH7 c.4787C>T (p.Ser1596Leu) results in a non-conservative amino acid change located in the Myosin tail (IPR002928) of the encoded protein sequence. Four of five in-silico tools predict a damaging effect of the variant on protein function. The variant allele was found at a frequency of 5.2e-05 in 251486 control chromosomes. This frequency is not significantly higher than estimated for a pathogenic variant in MYH7 causing Cardiomyopathy (5.2e-05 vs 0.0013), allowing no conclusion about variant significance. c.4787C>T has been reported in individuals affected with Cardiomyopathy, in addition to unaffected controls (e.g. Kurzlechner_2022, Walsh_2017, McGurk_2023, Park_2022). These report(s) do not provide unequivocal conclusions about association of the variant with Cardiomyopathy. To our knowledge, no experimental evidence demonstrating an impact on protein function has been reported. The following publications have been ascertained in the context of this evaluation (PMID: 35629155, 37652022, 34542152, 27532257). ClinVar contains an entry for this variant (Variation ID: 922222). Based on the evidence outlined above, the variant was classified as uncertain significance.

All of Us Research Program, National Institutes of Health
Classification: Uncertain significance for Cardiomyopathy. Last evaluated: 2023-12-01. Review status: criteria provided, single submitter. Criteria: ACMG Guidelines, 2015. Collection method: clinical testing. Allele origin: germline. Inheritance: Autosomal dominant inheritance. Observed: 3 variant alleles, 3 heterozygotes.
Comment: This study involves interpretation of variants in research participants for the purpose of population health screening. Participant phenotype was not available at the time of variant classification. Additional details can be found in publication PMID: 35346344, PMCID: PMC8962531

Color Diagnostics, LLC DBA Color Health
Classification: Uncertain significance for Cardiomyopathy. Last evaluated: 2023-05-23. Review status: criteria provided, single submitter. Criteria: ACMG Guidelines, 2015. Collection method: clinical testing. Allele origin: germline.
Comment: This missense variant replaces serine with leucine at codon 1596 of the MYH7 protein. Computational prediction is inconclusive regarding the impact of this variant on protein structure and function (internally defined REVEL score threshold 0.5 < inconclusive < 0.7, PMID: 27666373). To our knowledge, functional studies have not been reported for this variant. This variant has been reported in an individual affected with hypertrophic cardiomyopathy (PMID: 27532257). This variant has been identified in 13/251486 chromosomes in the general population by the Genome Aggregation Database (gnomAD). The available evidence is insufficient to determine the role of this variant in disease conclusively. Therefore, this variant is classified as a Variant of Uncertain Significance.

GeneDx
Classification: Uncertain significance. Last evaluated: 2022-03-22. Review status: criteria provided, single submitter. Criteria: GeneDx Variant Classification Process June 2021. Collection method: clinical testing. Allele origin: germline. Affected: yes.
Comment: Reported in at least one individual referred for HCM genetic testing (Walsh et al., 2017); In silico analysis supports that this missense variant has a deleterious effect on protein structure/function; This variant is associated with the following publications: (PMID: 28781887, 27532257, Shahbazi_Article_2020)

Ambry Genetics
Classification: Likely benign for Cardiovascular phenotype. Last evaluated: 2021-07-27. Review status: criteria provided, single submitter. Criteria: Ambry Variant Classification Scheme 2023. Collection method: clinical testing. Allele origin: germline.

Genetics and Molecular Pathology, SA Pathology
Classification: Uncertain significance for Hypertrophic cardiomyopathy 1. Last evaluated: 2021-03-03. Review status: criteria provided, single submitter. Criteria: ACMG Guidelines, 2015. Collection method: clinical testing. Allele origin: germline. Affected: yes.

Literature cited by the submitters: PubMed 27532257 (cited by 4 submitters); PubMed 34542152 (cited by Labcorp Genetics (formerly Invitae), Labcorp and Women's Health and Genetics/Laboratory Corporation of America, LabCorp); PubMed 35629155 (cited by Women's Health and Genetics/Laboratory Corporation of America, LabCorp); PubMed 37652022 (cited by Women's Health and Genetics/Laboratory Corporation of America, LabCorp).